The following is an entry in ClinVar:

NM_004006.3(DMD):c.6913-3775T>C

Gene: DMD (dystrophin; minus strand). Cytogenetic location: Xp21.1.
Variant type: single nucleotide variant.
Coding change: c.6913-3775T>C on transcript NM_004006.3 (MANE Select); 3775 bases into the intron before coding-DNA position 6913, T replaced by C.
Molecular consequence: intron variant.
Genome position (GRCh38, 1-based): chrX:31,879,148, A>G on the plus strand (T>C on the coding strand, the complement: DMD is on the minus strand). VCF-style: chrX-31879148-A-G. GRCh37 (hg19) VCF-style: chrX-31897265-A-G.
Other names: c.6889-3775T>C (NM_000109.4); c.2890-3775T>C (NM_004011.4); c.2881-3775T>C (NM_004012.4); c.-468-3775T>C (NM_004023.3, NM_004020.4, NM_004022.3 and 2 more transcripts); c.6901-3775T>C (NM_004009.3); c.6544-3775T>C (NM_004010.3).
Identifiers: ClinVar variation 671410 (VCV000671410.1), dbSNP rs147424948, ClinGen allele CA328483409.
Genomic context (GRCh38, chrX:31,879,148, plus strand): 5'-TATTTTGAACAATGTAAATGCATTACTGTATTAGTCTGCTCTCACACTGTTAACAAAGAC[A>G]TATCTGAGACTGGGTGATTTATAAAGGAAAGAGGTTTAATGGACTCACCATTCTACATGG-3'

ClinVar aggregate classification (germline): Benign (1 of 4 stars; one submission).

Allele frequency attached by ClinVar (database versions not stated): 1000 Genomes Project 30x 0.01602; gnomAD 0.01681 and 0.01798; 1000 Genomes Project 0.01695; TOPMed 0.01934.
gnomAD v4.1: 1,787 of 106,465 alleles (1.7%); highest among the groups gnomAD compares: African/African-American, 5.8%; 39 homozygotes.

Submission:

GeneDx
Classification: Benign. Last evaluated: 2018-06-18. Review status: criteria provided, single submitter. Criteria: GeneDx Variant Classification (06012015). Collection method: clinical testing. Allele origin: germline. Affected: yes.
Comment: This variant is considered likely benign or benign based on one or more of the following criteria: it is a conservative change, it occurs at a poorly conserved position in the protein, it is predicted to be benign by multiple in silico algorithms, and/or has population frequency not consistent with disease.